The following is an entry in ClinVar:

ClinVar aggregate classification (germline): Likely pathogenic. Review status: criteria provided, multiple submitters, no conflicts (2 of 4 stars). 2 submissions from 2 submitters: Likely pathogenic (2). Last evaluated 2025-04-17.

Conditions:
Pheochromocytoma/paraganglioma syndrome 5. Also called: Paragangliomas 5; SDHA-Related Hereditary Paraganglioma-Pheochromocytoma Syndrome. Identifiers: Orphanet 29072, MedGen C3279992, MONDO:0013602, OMIM 614165.
Mitochondrial complex II deficiency, nuclear type 1. Also called: SUCCINATE CoQ REDUCTASE DEFICIENCY. Identifiers: Orphanet 3208, MedGen C5700310, MONDO:0100294, OMIM 252011.

Submissions (2):

Myriad Genetics, Inc.
Classification: Likely pathogenic for Pheochromocytoma/paraganglioma syndrome 5. Last evaluated: 2025-04-17. Review status: criteria provided, single submitter. Criteria: Myriad Autosomal Dominant, Autosomal Recessive and X-Linked Classification Criteria (2023). Collection method: clinical testing. Allele origin: unknown.
Comment: This variant is considered likely pathogenic. This variant occurs within a consensus splice junction and is predicted to result in abnormal mRNA splicing of either an out-of-frame exon or an in-frame exon necessary for protein stability and/or normal function.

Labcorp Genetics (formerly Invitae), Labcorp
Classification: Likely pathogenic for Pheochromocytoma/paraganglioma syndrome 5; Mitochondrial complex II deficiency, nuclear type 1. Last evaluated: 2024-04-24. Review status: criteria provided, single submitter. Criteria: Invitae Variant Classification Sherloc (09022015). Collection method: clinical testing. Allele origin: germline.
Comment: This sequence change affects an acceptor splice site in intron 11 of the SDHA gene. It is expected to disrupt RNA splicing. Variants that disrupt the donor or acceptor splice site typically lead to a loss of protein function (PMID: 16199547), and loss-of-function variants in SDHA are known to be pathogenic (PMID: 22974104, 24781757). This variant is not present in population databases (gnomAD no frequency). This variant has not been reported in the literature in individuals affected with SDHA-related conditions. Algorithms developed to predict the effect of sequence changes on RNA splicing suggest that this variant may disrupt the consensus splice site. In summary, the currently available evidence indicates that the variant is pathogenic, but additional data are needed to prove that conclusively. Therefore, this variant has been classified as Likely Pathogenic.

Literature cited by the submitters: PubMed 16199547 (cited by Labcorp Genetics (formerly Invitae), Labcorp); PubMed 22974104 (cited by Labcorp Genetics (formerly Invitae), Labcorp); PubMed 24781757 (cited by Labcorp Genetics (formerly Invitae), Labcorp).

NM_004168.4(SDHA):c.1552-1G>T

Gene: SDHA (succinate dehydrogenase complex flavoprotein subunit A; plus strand). Cytogenetic location: 5p15.33.
Variant type: single nucleotide variant.
Coding change: c.1552-1G>T on transcript NM_004168.4 (MANE Select); the canonical splice acceptor site of the intron before coding-DNA position 1552, G replaced by T.
Molecular consequence: splice acceptor variant. On other transcripts: intron variant (1).
Genome position (GRCh38, 1-based): chr5:250,991, G>T. VCF-style: chr5-250991-G-T. GRCh37 (hg19) VCF-style: chr5-251106-G-T.
Other names: c.1552-3402G>T (NM_001330758.2); c.1408-1G>T (NM_001294332.2).
Identifiers: ClinVar variation 3751411 (VCV003751411.3).